The following is an entry in ClinVar:

NM_003072.5(SMARCA4):c.853C>T (p.Pro285Ser)

Gene: SMARCA4 (SWI/SNF related BAF chromatin remodeling complex subunit ATPase 4; plus strand). Cytogenetic location: 19p13.2.
Variant type: single nucleotide variant.
Coding change: c.853C>T on transcript NM_003072.5 (MANE Select); coding-DNA position 853, C replaced by T.
Protein change: p.Pro285Ser; replaces proline 285 with serine.
Molecular consequence: missense variant. On other transcripts: non-coding transcript variant (1).
Genome position (GRCh38, 1-based): chr19:10,986,997, C>T. VCF-style: chr19-10986997-C-T. GRCh37 (hg19) VCF-style: chr19-11097673-C-T.
Other names: c.853C>T, p.Pro285Ser (NM_001128844.3, NM_001128845.2, NM_001128846.2 and 4 more transcripts); short protein forms P285S.
Identifiers: ClinVar variation 964585 (VCV000964585.11), dbSNP rs763957291, ClinGen allele CA305287159.
Genomic context (GRCh38, chr19:10,986,997, plus strand): 5'-CCCTCGGGCGTGCCCCCCGGGATGCCAGGCCAGCCTCCTGGAGGGCCTCCCAAGCCCTGG[C>T]CTGAAGGTGAGCTCCCTCTTCTATGGTGGTGCACCCGTGCCCTTACTCCCCATCTCAAGC-3'
Protein context (NP_003063.2, residues 275-295): QPPGGPPKPW[Pro285Ser]EGPMANAAAP

ClinVar aggregate classification (germline): Uncertain significance. Review status: criteria provided, multiple submitters, no conflicts (2 of 4 stars). 2 submissions from 2 submitters: Uncertain significance (2). Last evaluated 2023-07-10.

Conditions:
Hereditary cancer-predisposing syndrome. Also called: Tumor predisposition; Hereditary neoplastic syndrome; Hereditary Cancer Syndrome; Neoplastic Syndromes, Hereditary. Identifiers: Orphanet 140162, MedGen C0027672, MeSH D009386, MONDO:0015356.
Rhabdoid tumor predisposition syndrome 2 (RTPS2). Identifiers: Orphanet 231108, Orphanet 69077, MedGen C2750074, MONDO:0013224, OMIM 613325.

Allele frequency attached by ClinVar (database versions not stated): gnomAD exomes below 0.00001.

Submissions (2):

Ambry Genetics
Classification: Uncertain significance for Hereditary cancer-predisposing syndrome. Last evaluated: 2023-07-10. Review status: criteria provided, single submitter. Criteria: Ambry Variant Classification Scheme 2023. Collection method: clinical testing. Allele origin: germline.
Comment: The p.P285S variant (also known as c.853C>T), located in coding exon 4 of the SMARCA4 gene, results from a C to T substitution at nucleotide position 853. The proline at codon 285 is replaced by serine, an amino acid with similar properties. This amino acid position is well conserved in available vertebrate species. In addition, the in silico prediction for this alteration is inconclusive. Missense and in-frame variants in SMARCA4 are known to cause neurodevelopmental disorders; however, such associations with rhabdoid tumor predisposition syndrome including small cell carcinoma of the ovary-hypercalcemic type (SCCOHT) are exceedingly rare (Kosho T et al. Am J Med Genet C Semin Med Genet. 2014 Sep;166C(3):262-75; Jelinic P et al. Nat Genet. 2014 May;46(5):424-6). Based on the supporting evidence, the association of this alteration with Coffin-Siris syndrome is unknown; however, the association of this alteration with rhabdoid tumor predisposition syndrome is unlikely.

Labcorp Genetics (formerly Invitae), Labcorp
Classification: Uncertain significance for Rhabdoid tumor predisposition syndrome 2. Last evaluated: 2019-11-07. Review status: criteria provided, single submitter. Criteria: Invitae Variant Classification Sherloc (09022015). Collection method: clinical testing. Allele origin: germline.
Comment: This sequence change replaces proline with serine at codon 285 of the SMARCA4 protein (p.Pro285Ser). The proline residue is highly conserved and there is a moderate physicochemical difference between proline and serine. This variant is not present in population databases (ExAC no frequency). This variant has not been reported in the literature in individuals with SMARCA4-related conditions. Algorithms developed to predict the effect of missense changes on protein structure and function are either unavailable or do not agree on the potential impact of this missense change (SIFT: "Deleterious"; PolyPhen-2: "Benign"; Align-GVGD: "Class C65"). Algorithms developed to predict the effect of sequence changes on RNA splicing suggest that this variant may create or strengthen a splice site, but this prediction has not been confirmed by published transcriptional studies. In summary, the available evidence is currently insufficient to determine the role of this variant in disease. Therefore, it has been classified as a Variant of Uncertain Significance.